The following is an entry in ClinVar:

ClinVar aggregate classification (germline): Uncertain significance (1 of 4 stars; one submission).

Submission:

Labcorp Genetics (formerly Invitae), Labcorp
Classification: Uncertain significance. Last evaluated: 2022-03-11. Review status: criteria provided, single submitter. Criteria: Invitae Variant Classification Sherloc (09022015). Collection method: clinical testing. Allele origin: germline.
Comment: In summary, the available evidence is currently insufficient to determine the role of this variant in disease. Therefore, it has been classified as a Variant of Uncertain Significance. Algorithms developed to predict the effect of missense changes on protein structure and function (SIFT, PolyPhen-2, Align-GVGD) all suggest that this variant is likely to be disruptive. This variant has not been reported in the literature in individuals affected with LTBP2-related conditions. This variant is not present in population databases (gnomAD no frequency). This sequence change replaces serine, which is neutral and polar, with phenylalanine, which is neutral and non-polar, at codon 735 of the LTBP2 protein (p.Ser735Phe).

NM_000428.3(LTBP2):c.2204C>T (p.Ser735Phe)

Gene: LTBP2 (latent transforming growth factor beta binding protein 2; minus strand). Cytogenetic location: 14q24.3.
Variant type: single nucleotide variant.
Coding change: c.2204C>T on transcript NM_000428.3 (MANE Select); coding-DNA position 2204, C replaced by T.
Protein change: p.Ser735Phe; replaces serine 735 with phenylalanine.
Molecular consequence: missense variant.
Genome position (GRCh38, 1-based): chr14:74,528,647, G>A on the plus strand (C>T on the coding strand, the complement: LTBP2 is on the minus strand). VCF-style: chr14-74528647-G-A. GRCh37 (hg19) VCF-style: chr14-74995350-G-A.
Other names: short protein forms S735F.
Identifiers: ClinVar variation 2109185 (VCV002109185.4), dbSNP rs2506153808, ClinGen allele CA390394899.